The following is an entry in ClinVar:

ClinVar aggregate classification (germline): Benign. Review status: criteria provided, multiple submitters, no conflicts (2 of 4 stars). 3 submissions from 3 submitters: Benign (2). 1 of the submissions does not count toward it. Last evaluated 2026-01-17.

Conditions:
EXPH5-related disorder. Also called: EXPH5-related condition.

Allele frequency attached by ClinVar (database versions not stated): 1000 Genomes Project 30x 0.00859; gnomAD exomes 0.00065 and 0.00171; ExAC 0.00214; gnomAD 0.00685 and 0.00728; 1000 Genomes Project 0.00759; TOPMed 0.00761; ESP Exome Variant Server 0.00777.
gnomAD v4.1: 2,018 of 1,613,894 alleles (0.13%); highest among the groups gnomAD compares: African/African-American, 2.3%; 22 homozygotes.

Submissions (3):

Labcorp Genetics (formerly Invitae), Labcorp
Classification: Benign. Last evaluated: 2026-01-17. Review status: criteria provided, single submitter. Criteria: Invitae Variant Classification Sherloc (09022015). Collection method: clinical testing. Allele origin: germline.

Breakthrough Genomics
Classification: Benign. Review status: criteria provided, single submitter. Criteria: ACMG Guidelines, 2015. Collection method: not provided. Allele origin: germline. Inheritance: Autosomal recessive inheritance. Affected: yes.

PreventionGenetics, part of Exact Sciences
Classification: Likely benign for EXPH5-related condition. Last evaluated: 2024-07-23. Review status: no assertion criteria provided. Collection method: clinical testing. Allele origin: germline. Not counted in ClinVar's aggregate classification.
Comment: This variant is classified as likely benign based on ACMG/AMP sequence variant interpretation guidelines (Richards et al. 2015 PMID: 25741868, with internal and published modifications).

NM_015065.3(EXPH5):c.4389C>T (p.Pro1463=)

Gene: EXPH5 (exophilin 5; minus strand). Cytogenetic location: 11q22.3.
Variant type: single nucleotide variant.
Coding change: c.4389C>T on transcript NM_015065.3 (MANE Select); coding-DNA position 4389, C replaced by T.
Protein change: p.Pro1463=; no amino-acid change (proline 1463 retained).
Molecular consequence: synonymous variant.
Genome position (GRCh38, 1-based): chr11:108,511,118, G>A on the plus strand (C>T on the coding strand, the complement: EXPH5 is on the minus strand). VCF-style: chr11-108511118-G-A. GRCh37 (hg19) VCF-style: chr11-108381845-G-A.
Other names: c.4161C>T, p.Pro1387= (NM_001144763.2); c.3921C>T, p.Pro1307= (NM_001144764.2); c.3825C>T, p.Pro1275= (NM_001144765.2); c.4368C>T, p.Pro1456= (NM_001308019.2).
Identifiers: ClinVar variation 790106 (VCV000790106.11), dbSNP rs74858839, ClinGen allele CA6267531.